The following is an entry in ClinVar:

NM_001203.3(BMPR1B):c.370C>T (p.His124Tyr)

Gene: BMPR1B (bone morphogenetic protein receptor type 1B; plus strand). Cytogenetic location: 4q22.3.
Variant type: single nucleotide variant.
Coding change: c.370C>T on transcript NM_001203.3 (MANE Select); coding-DNA position 370, C replaced by T.
Protein change: p.His124Tyr; replaces histidine 124 with tyrosine.
Molecular consequence: missense variant.
Genome position (GRCh38, 1-based): chr4:95,123,830, C>T. VCF-style: chr4-95123830-C-T. GRCh37 (hg19) VCF-style: chr4-96044981-C-T.
Other names: c.370C>T, p.His124Tyr (NM_001256792.2, NM_001256794.1); c.460C>T, p.His154Tyr (NM_001256793.2); c.370C>T (NM_001203.2); short protein forms H154Y, H124Y.
Identifiers: ClinVar variation 1483774 (VCV001483774.9), dbSNP rs759803347, ClinGen allele CA3014961.
Genomic context (GRCh38, chr4:95,123,830, plus strand): 5'-ATATTCTCTTGATTATGGCTCTTTTTCTTTTTAATTTCAGATTTTGTTGATGGACCTATA[C>T]ACCACAGGGCTTTACTTATATCTGTGACTGTCTGTAGTTTGCTCTTGGTCCTTATCATAT-3'
Protein context (NP_001194.1, residues 114-134): KNRDFVDGPI[His124Tyr]HRALLISVTV

ClinVar aggregate classification (germline): Uncertain significance. Review status: criteria provided, multiple submitters, no conflicts (2 of 4 stars). 2 submissions from 2 submitters: Uncertain significance (2). Last evaluated 2024-10-09.

Conditions:
Inborn genetic diseases. Identifiers: MedGen C0950123, MeSH D030342.
Acromesomelic dysplasia 3 (AMD3). Also called: CHONDRODYSPLASIA, ACROMESOMELIC, WITH OR WITHOUT GENITAL ANOMALIES; Acromesomelic dysplasia, Demirhan type. Identifiers: MedGen C4225404, MONDO:0012274, OMIM 609441.
Type A2 brachydactyly (BDA2). Also called: MOHR-WRIEDT TYPE BRACHYDACTYLY; BRACHYMESOPHALANGY II; Brachymesophalangy type 2. Identifiers: Orphanet 93396, MedGen C1832702, MONDO:0007216, OMIM 112600, HP:0009372.

Allele frequency attached by ClinVar (database versions not stated): gnomAD 0.00001; TOPMed 0.00001; ExAC 0.00002; gnomAD exomes 0.00002 and 0.00007.
gnomAD v4.1: 94 of 1,610,526 alleles (0.0058%); highest among the groups gnomAD compares: Non-Finnish European, 0.0079%; no homozygotes.

Submissions (2):

Ambry Genetics
Classification: Uncertain significance for Inborn genetic diseases. Last evaluated: 2024-10-09. Review status: criteria provided, single submitter. Criteria: Ambry Variant Classification Scheme 2023. Collection method: clinical testing. Allele origin: germline.

Labcorp Genetics (formerly Invitae), Labcorp
Classification: Uncertain significance for Type A2 brachydactyly; Acromesomelic dysplasia 3. Last evaluated: 2021-04-05. Review status: criteria provided, single submitter. Criteria: Invitae Variant Classification Sherloc (09022015). Collection method: clinical testing. Allele origin: germline.
Comment: This variant has not been reported in the literature in individuals with BMPR1B-related conditions. This variant is present in population databases (rs759803347, ExAC 0.01%). This sequence change replaces histidine with tyrosine at codon 124 of the BMPR1B protein (p.His124Tyr). The histidine residue is highly conserved and there is a moderate physicochemical difference between histidine and tyrosine. Advanced modeling of protein sequence and biophysical properties (such as structural, functional, and spatial information, amino acid conservation, physicochemical variation, residue mobility, and thermodynamic stability) performed at Invitae indicates that this missense variant is not expected to disrupt BMPR1B protein function. In summary, the available evidence is currently insufficient to determine the role of this variant in disease. Therefore, it has been classified as a Variant of Uncertain Significance.